The following is an entry in ClinVar:

NM_000258.3(MYL3):c.530A>G (p.Glu177Gly)

Gene: MYL3 (myosin light chain 3; minus strand). Cytogenetic location: 3p21.31.
Variant type: single nucleotide variant.
Coding change: c.530A>G on transcript NM_000258.3 (MANE Select); coding-DNA position 530, A replaced by G.
Protein change: p.Glu177Gly; replaces glutamic acid 177 with glycine.
Molecular consequence: missense variant.
Genome position (GRCh38, 1-based): chr3:46,858,413, T>C on the plus strand (A>G on the coding strand, the complement: MYL3 is on the minus strand). VCF-style: chr3-46858413-T-C. GRCh37 (hg19) VCF-style: chr3-46899903-T-C.
Other names: p.E177G:GAG>GGG; short protein forms E177G.
Identifiers: ClinVar variation 36648 (VCV000036648.45), dbSNP rs193922391, ClinGen allele CA014021.
Genomic context (GRCh38, chr3:46,858,413, plus strand): 5'-CCCAGAAGACCCCTGCCCCTGCTGAGCCCACCTTCATAGTTGATGCAGCCATTGGAGTCC[T>C]CTTGCCCAGCCATCAACTTCTCCACTTCGTCTTCTGTCAGCCTCTCACCTGGCAGGAGTG-3'
Protein context (NP_000249.1, residues 167-187): DEVEKLMAGQ[Glu177Gly]DSNGCINYEA

ClinVar aggregate classification (germline): Uncertain significance. Review status: criteria provided, multiple submitters, no conflicts (2 of 4 stars). 19 submissions from 19 submitters: Uncertain significance (13). 6 of the submissions do not count toward it. Last evaluated 2026-03-17.

Conditions:
MYL3-related disorder. Also called: MYL3-related condition.
Cardiovascular phenotype. Identifiers: MedGen CN230736.
Cardiomyopathy (CMYO). Also called: Cardiomyopathies. Identifiers: Orphanet 167848, MedGen C0878544, MONDO:0004994, HP:0001638. Inheritance: Various modes of inheritance.
Hypertrophic cardiomyopathy 8. Also called: CARDIOMYOPATHY, HYPERTROPHIC, MID-LEFT VENTRICULAR CHAMBER TYPE, 1; MYL3-Related Familial Hypertrophic Cardiomyopathy. Identifiers: MedGen C1837471, MONDO:0012111, OMIM 608751.
Primary familial hypertrophic cardiomyopathy (HCM). Identifiers: Orphanet 99739, MedGen C0949658, MeSH D024741, MONDO:0024573. Inheritance: Various modes of inheritance.
Hypertrophic cardiomyopathy. Also called: HYPERTROPHIC MYOCARDIOPATHY. Identifiers: Orphanet 217569, MedGen C0007194, MeSH D002312, MONDO:0005045, HP:0001639.

Allele frequency attached by ClinVar (database versions not stated): gnomAD 0.00002 and 0.00003; TOPMed 0.00003; ExAC 0.00005; gnomAD exomes 0.00006; ESP Exome Variant Server 0.00008.
gnomAD v4.1: 59 of 1,613,896 alleles (0.0037%); highest among the groups gnomAD compares: Middle Eastern, 0.016%; no homozygotes.

Submissions 1 to 7 of 19:

Women's Health and Genetics/Laboratory Corporation of America, LabCorp
Classification: Uncertain significance. Last evaluated: 2026-03-17. Review status: criteria provided, single submitter. Criteria: LabCorp Variant Classification Summary - May 2015. Collection method: clinical testing. Allele origin: germline.
Comment: Variant summary: MYL3 c.530A>G (p.Glu177Gly) results in a non-conservative amino acid change in the encoded protein sequence. Algorithms developed to predict the effect of missense changes on protein structure and function all suggest that this variant is likely to be disruptive. The variant allele was found at a frequency of 5.6e-05 in 251612 control chromosomes. The observed variant frequency exceeds the estimated maximal expected allele frequency for disease-causing variants in MYL3 causing an autosomal dominant Hypertrophic Cardiomyopathy phenotype. c.530A>G has been observed in individuals affected with Hypertrophic Cardiomyopathy, including a pediatric case where the variant was inherited from the apparently unaffected father (e.g. Jay_2013, Burstein_2021, Sepp_2022, McGurk_2023, Anvekar_2024, internal data). These data do not allow for definitive conclusions to be made about an association with disease. To our knowledge, no experimental evidence demonstrating an impact on protein function has been reported. The following publications have been ascertained in the context of this evaluation (PMID: 25637381, 37725123, 22958901, 32746448, 23594557, 37652022, 26633542, 35626289). ClinVar contains an entry for this variant (Variation ID: 36648). Based on the evidence outlined above, the variant was classified as VUS-possibly benign.

Labcorp Genetics (formerly Invitae), Labcorp
Classification: Uncertain significance for Hypertrophic cardiomyopathy. Last evaluated: 2026-01-28. Review status: criteria provided, single submitter. Criteria: Invitae Variant Classification Sherloc (09022015). Collection method: clinical testing. Allele origin: germline.
Comment: This sequence change replaces glutamic acid, which is acidic and polar, with glycine, which is neutral and non-polar, at codon 177 of the MYL3 protein (p.Glu177Gly). The frequency data for this variant in the population databases is considered unreliable, as metrics indicate poor data quality at this position in the gnomAD database. This missense change has been observed in individuals with clinical features of hypertrophic cardiomyopathy (PMID: 23594557, 31618753, 32746448, 35626289, 37652022; internal data). ClinVar contains an entry for this variant (Variation ID: 36648). An algorithm developed to predict the effect of missense changes on protein structure and function (PolyPhen-2) suggests that this variant is likely to be disruptive. Experimental studies are conflicting or provide insufficient evidence to determine the effect of this variant on MYL3 function (PMID: 36509720). In summary, the available evidence is currently insufficient to determine the role of this variant in disease. Therefore, it has been classified as a Variant of Uncertain Significance.

Color Diagnostics, LLC DBA Color Health
Classification: Uncertain significance for Cardiomyopathy. Last evaluated: 2024-11-05. Review status: criteria provided, single submitter. Criteria: ACMG Guidelines, 2015. Collection method: clinical testing. Allele origin: germline.
Comment: This missense variant replaces glutamic acid with glycine at codon 177 of the MYL3 protein. Computational prediction suggests that this variant may have deleterious impact on protein structure and function. A functional study has shown that this variant does not affect the rate of myosin interaction with actin but increases calcium sensitivity (PMID: 36509720). This variant has been reported in an infant affected with hypertrophic cardiomyopathy as well as an asymptomatic parent (PMID: 23594557). This variant has also been reported in nine additional individuals affected with hypertrophic cardiomyopathy (PMID: 25351510, 30847666, 31618753, 32746448, 37431535), and in one individual with abnormality of the cardiovascular system (PMID: 26633542). This variant has also been observed in several unaffected individuals (PMID: 22958901, 37431535). This variant has been identified in 16/282568 chromosomes in the general population by the Genome Aggregation Database (gnomAD). The available evidence is insufficient to determine the role of this variant in disease conclusively. Therefore, this variant is classified as a Variant of Uncertain Significance.

Blueprint Genetics
Classification: Uncertain significance. Last evaluated: 2024-09-18. Review status: criteria provided, single submitter. Criteria: ACMG Guidelines, 2015. Collection method: clinical testing. Allele origin: germline.

All of Us Research Program, National Institutes of Health
Classification: Uncertain significance for Hypertrophic cardiomyopathy. Last evaluated: 2023-12-13. Review status: criteria provided, single submitter. Criteria: ACMG Guidelines, 2015. Collection method: clinical testing. Allele origin: germline. Inheritance: Autosomal dominant inheritance. Observed: 17 variant alleles, 17 heterozygotes.
Comment: This missense variant replaces glutamic acid with glycine at codon 177 of the MYL3 protein. Computational prediction suggests that this variant may have deleterious impact on protein structure and function (internally defined REVEL score threshold >= 0.7, PMID: 27666373). To our knowledge, functional studies have not been reported for this variant. This variant has also been reported in another four individuals affected with hypertrophic cardiomyopathy (PMID: 25351510, 30847666; ClinVar SCV000740165.3 and SCV000208890.11), in one individual with abnormality of the cardiovascular system (PMID: 26633542), in one individual affected with cardiomyopathy and progressive muscle weakness (PMID: 31618753), and in an individual with left ventricular wall thickness, left ventricular diastolic diameter and left atrial diameter within the normal range (PMID: 22958901). This variant has been identified in 16/282568 chromosomes in the general population by the Genome Aggregation Database (gnomAD). The available evidence is insufficient to determine the role of this variant in disease conclusively. Therefore, this variant is classified as a Variant of Uncertain Significance.

This study involves interpretation of variants in research participants for the purpose of population health screening. Participant phenotype was not available at the time of variant classification. Additional details can be found in publication PMID: 35346344, PMCID: PMC8962531

Neuberg Centre For Genomic Medicine, NCGM
Classification: Uncertain significance for Hypertrophic cardiomyopathy 8. Last evaluated: 2023-03-01. Review status: criteria provided, single submitter. Criteria: ACMG Guidelines, 2015. Collection method: clinical testing. Allele origin: germline. Inheritance: Autosomal dominant inheritance. Affected: yes.
Comment: The missense variant c.530A>G(p.Glu177Gly) in MYL3 gene has been reported in an infant affected with hypertrophic cardiomyopathy (Jay et. al., 2013). This variant has also been reported in an individual with left ventricular wall thickness, left ventricular diastolic diameter and left atrial diameter within the normal range (Bick et. al., 2012). The p.Glu177Gly variant is novel (not in any individuals) in 1000 Genomes and has allele frequency of 0.005% in gnomAD exomes database. This variant has been reported to the ClinVar database as Uncertain Significance. The amino acid change p.Glu177Gly in MYL3 is predicted as conserved by GERP++ and PhyloP across 100 vertebrates. The amino acid Glu at position 177 is changed to a Gly changing protein sequence and it might alter its composition and physico-chemical properties. For these reasons, this variant has been classified as Uncertain Significance (VUS).

CHEO Genetics Diagnostic Laboratory, Children's Hospital of Eastern Ontario
Classification: Uncertain significance for Cardiomyopathy. Last evaluated: 2022-10-18. Review status: criteria provided, single submitter. Criteria: ACMG Guidelines, 2015. Collection method: clinical testing. Allele origin: germline.